The following is an entry in ClinVar:

NM_152783.5(D2HGDH):c.1054G>C (p.Glu352Gln)

Gene: D2HGDH (D-2-hydroxyglutarate dehydrogenase; plus strand). Cytogenetic location: 2q37.3.
Variant type: single nucleotide variant.
Coding change: c.1054G>C on transcript NM_152783.5 (MANE Select); coding-DNA position 1054, G replaced by C.
Protein change: p.Glu352Gln; replaces glutamic acid 352 with glutamine.
Molecular consequence: missense variant.
Genome position (GRCh38, 1-based): chr2:241,751,302, G>C. VCF-style: chr2-241751302-G-C. GRCh37 (hg19) VCF-style: chr2-242690717-G-C.
Other names: c.652G>C, p.Glu218Gln (NM_001287249.2); c.493G>C, p.Glu165Gln (NM_001352824.2); short protein forms E165Q, E218Q, E352Q.
Identifiers: ClinVar variation 949950 (VCV000949950.1), dbSNP rs1697158886, ClinGen allele CA351408715.
Genomic context (GRCh38, chr2:241,751,302, plus strand): 5'-CTAGAGAGTCCGTTTTACGTCCTCATCGAGACTTCAGGCTCCAACGCAGGCCATGACGCT[G>C]AGAAGCTGGGCCACTTCCTGGAGCACGCGCTGGGCTCCGGCCTGGTGACCGATGGGACCA-3'
Protein context (NP_689996.4, residues 342-362): TSGSNAGHDA[Glu352Gln]KLGHFLEHAL

ClinVar aggregate classification (germline): Uncertain significance (1 of 4 stars; one submission).

Conditions:
D-2-hydroxyglutaric aciduria 1 (D2HGA1). Identifiers: Orphanet 79315, MedGen C3152055, MONDO:0024554, OMIM 600721.

Submission:

Labcorp Genetics (formerly Invitae), Labcorp
Classification: Uncertain significance for D-2-hydroxyglutaric aciduria 1. Last evaluated: 2019-04-09. Review status: criteria provided, single submitter. Criteria: Invitae Variant Classification Sherloc (09022015). Collection method: clinical testing. Allele origin: germline.
Comment: This sequence change replaces glutamic acid with glutamine at codon 352 of the D2HGDH protein (p.Glu352Gln). The glutamic acid residue is highly conserved and there is a small physicochemical difference between glutamic acid and glutamine. This variant is not present in population databases (ExAC no frequency). This variant has not been reported in the literature in individuals with D2HGDH-related conditions. Algorithms developed to predict the effect of missense changes on protein structure and function are either unavailable or do not agree on the potential impact of this missense change (SIFT: "Deleterious"; PolyPhen-2: "Benign"; Align-GVGD: "Class C25"). In summary, the available evidence is currently insufficient to determine the role of this variant in disease. Therefore, it has been classified as a Variant of Uncertain Significance.